The following is an entry in ClinVar:

NM_000303.3(PMM2):c.554A>G (p.Asp185Gly)

Gene: PMM2 (phosphomannomutase 2; plus strand). Cytogenetic location: 16p13.2.
Variant type: single nucleotide variant.
Coding change: c.554A>G on transcript NM_000303.3 (MANE Select); coding-DNA position 554, A replaced by G.
Protein change: p.Asp185Gly; replaces aspartic acid 185 with glycine.
Molecular consequence: missense variant.
Genome position (GRCh38, 1-based): chr16:8,813,021, A>G. VCF-style: chr16-8813021-A-G. GRCh37 (hg19) VCF-style: chr16-8906878-A-G.
Other names: short protein forms D185G.
Identifiers: ClinVar variation 553481 (VCV000553481.4), dbSNP rs1386173214, ClinGen allele CA394697765.
Genomic context (GRCh38, chr16:8,813,021, plus strand): 5'-GCCTTTGTGTGCCCCGTCCCCACCCGGCAGGAGGCCAGATCAGCTTTGATGTCTTTCCTG[A>G]TGGATGGGACAAGAGATACTGTCTGCGACATGTGGAAAATGACGGTTATAAGACCATTTA-3'
Protein context (NP_000294.1, residues 175-195): GGQISFDVFP[Asp185Gly]GWDKRYCLRH

ClinVar aggregate classification (germline): Likely pathogenic. Review status: criteria provided, single submitter (1 of 4 stars). 2 submissions from 2 submitters: Likely pathogenic (1). 1 of the submissions does not count toward it. Last evaluated 2026-07-29.

Conditions:
PMM2-congenital disorder of glycosylation. Also called: PHOSPHOMANNOMUTASE 2 DEFICIENCY; CARBOHYDRATE-DEFICIENT GLYCOPROTEIN SYNDROME, TYPE Ia; CDG Ia; JAEKEN SYNDROME; PMM2-CDG; Congenital disorder of glycosylation, type Ia. Identifiers: Orphanet 79318, MedGen C0349653, MONDO:0008907, OMIM 212065.

Allele frequency attached by ClinVar (database versions not stated): TOPMed 0.00001.

Submissions (2):

GeneDx
Classification: Likely pathogenic. Last evaluated: 2026-07-29. Review status: criteria provided, single submitter. Criteria: GeneDx Variant Classification Process June 2021. Collection method: clinical testing. Allele origin: germline.
Comment: Not observed at significant frequency in large population cohorts (gnomAD); In silico analysis supports that this missense variant has a deleterious effect on protein structure/function; This variant is associated with the following publications: (PMID: 34859900, 11058895, 11142762, 11409861, 11058896)

Counsyl
Classification: Uncertain significance for PMM2-congenital disorder of glycosylation. Last evaluated: 2017-08-29. Review status: no assertion criteria provided. Collection method: clinical testing. Allele origin: unknown. Not counted in ClinVar's aggregate classification.

Literature cited by the submitters: PubMed 11058896 (cited by Counsyl).